The following is an entry in ClinVar:

ClinVar aggregate classification (germline): Uncertain significance (1 of 4 stars; one submission).

gnomAD v4.1: 1 of 1,206,441 alleles (0.000083%); highest among the groups gnomAD compares: Non-Finnish European, 0.00011%; no homozygotes.

Submission:

Labcorp Genetics (formerly Invitae), Labcorp
Classification: Uncertain significance. Last evaluated: 2024-07-30. Review status: criteria provided, single submitter. Criteria: Invitae Variant Classification Sherloc (09022015). Collection method: clinical testing. Allele origin: germline.
Comment: This sequence change replaces serine, which is neutral and polar, with phenylalanine, which is neutral and non-polar, at codon 1599 of the HUWE1 protein (p.Ser1599Phe). This variant is not present in population databases (gnomAD no frequency). This variant has not been reported in the literature in individuals affected with HUWE1-related conditions. Advanced modeling of protein sequence and biophysical properties (such as structural, functional, and spatial information, amino acid conservation, physicochemical variation, residue mobility, and thermodynamic stability) has been performed at Invitae for this missense variant, however the output from this modeling did not meet the statistical confidence thresholds required to predict the impact of this variant on HUWE1 protein function. In summary, the available evidence is currently insufficient to determine the role of this variant in disease. Therefore, it has been classified as a Variant of Uncertain Significance.

NM_031407.7(HUWE1):c.4796C>T (p.Ser1599Phe)

Gene: HUWE1 (HECT, UBA and WWE domain containing E3 ubiquitin protein ligase 1; minus strand). Cytogenetic location: Xp11.22.
Variant type: single nucleotide variant.
Coding change: c.4796C>T on transcript NM_031407.7 (MANE Select); coding-DNA position 4796, C replaced by T.
Protein change: p.Ser1599Phe; replaces serine 1599 with phenylalanine.
Molecular consequence: missense variant.
Genome position (GRCh38, 1-based): chrX:53,586,518, G>A on the plus strand (C>T on the coding strand, the complement: HUWE1 is on the minus strand). VCF-style: chrX-53586518-G-A. GRCh37 (hg19) VCF-style: chrX-53613478-G-A.
Other names: short protein forms S1599F.
Identifiers: ClinVar variation 3634924 (VCV003634924.2).